The following is an entry in ClinVar:

ClinVar aggregate classification (germline): Benign. Review status: criteria provided, multiple submitters, no conflicts (2 of 4 stars). 14 submissions from 14 submitters: Benign (11). 3 of the submissions do not count toward it. Last evaluated 2026-05-18.

Conditions:
Bardet-Biedl syndrome (BBS). Identifiers: Orphanet 110, MedGen C0752166, MONDO:0015229.
Bardet-Biedl syndrome 1 (BBS1). Identifiers: MedGen C2936862, MONDO:0008854, OMIM 209900. Disease mechanism: loss of function.
Bardet-Biedl syndrome 12 (BBS12). Identifiers: Orphanet 110, MedGen C1859570, MONDO:0014440, OMIM 615989.

Allele frequency attached by ClinVar (database versions not stated): 1000 Genomes Project 0.12101; 1000 Genomes Project 30x 0.12196; TOPMed 0.17906; gnomAD exomes 0.18144 and 0.22791; gnomAD 0.18667 and 0.19015; ExAC 0.18683; ESP Exome Variant Server 0.20813.
gnomAD v4.1: 360,139 of 1,613,942 alleles (22%); highest among the groups gnomAD compares: Non-Finnish European, 25%; 43,428 homozygotes.

Submissions (14):

Women's Health and Genetics/Laboratory Corporation of America, LabCorp
Classification: Benign. Last evaluated: 2026-05-18. Review status: criteria provided, single submitter. Criteria: LabCorp Variant Classification Summary - May 2015. Collection method: clinical testing. Allele origin: germline.

Labcorp Genetics (formerly Invitae), Labcorp
Classification: Benign for Bardet-Biedl syndrome. Last evaluated: 2026-02-04. Review status: criteria provided, single submitter. Criteria: Invitae Variant Classification Sherloc (09022015). Collection method: clinical testing. Allele origin: germline.

Blueprint Genetics
Classification: Benign. Last evaluated: 2024-11-26. Review status: criteria provided, single submitter. Criteria: ACMG Guidelines, 2015. Collection method: clinical testing. Allele origin: germline.

Mayo Clinic Laboratories, Mayo Clinic
Classification: Benign. Last evaluated: 2022-03-09. Review status: criteria provided, single submitter. Criteria: ACMG Guidelines, 2015. Collection method: clinical testing. Allele origin: germline. Observed: 30 variant alleles.

Pars Genome Lab
Classification: Benign for Bardet-Biedl syndrome 12. Last evaluated: 2021-06-15. Review status: criteria provided, single submitter. Criteria: ACMG Guidelines, 2015. Collection method: clinical testing. Allele origin: germline. Affected: no.

GeneDx
Classification: Benign. Last evaluated: 2021-05-04. Review status: criteria provided, single submitter. Criteria: GeneDx Variant Classification Process June 2021. Collection method: clinical testing. Allele origin: germline. Affected: yes.

Illumina Laboratory Services, Illumina
Classification: Benign for Bardet-Biedl syndrome 12. Last evaluated: 2018-01-13. Review status: criteria provided, single submitter. Criteria: ICSL Variant Classification Criteria 13 December 2019. Collection method: clinical testing. Allele origin: germline.
Comment: This variant was observed in the ICSL laboratory as part of a predisposition screen in an ostensibly healthy population. It had not been previously curated by ICSL or reported in the Human Gene Mutation Database (HGMD: prior to June 1st, 2018), and was therefore a candidate for classification through an automated scoring system. Utilizing variant allele frequency, disease prevalence and penetrance estimates, and inheritance mode, an automated score was calculated to assess if this variant is too frequent to cause the disease. Based on the score and internal cut-off values, a variant classified as benign is not then subjected to further curation. The score for this variant resulted in a classification of benign for this disease.

Clinical Genetics DNA and cytogenetics Diagnostics Lab, Erasmus MC, Erasmus Medical Center
Classification: Benign for Bardet-Biedl syndrome 1. Last evaluated: 2015-09-21. Review status: criteria provided, single submitter. Criteria: ACGS Guidelines, 2013. Collection method: clinical testing. Allele origin: germline. Affected: yes. Study: VKGL Data-share Consensus.

Eurofins Ntd Llc (ga)
Classification: Benign. Last evaluated: 2014-01-21. Review status: criteria provided, single submitter. Criteria: EGL Classification Definitions 2015. Collection method: clinical testing. Allele origin: germline. Observed: 2 variant alleles, 1 heterozygote, 1 homozygote.

Breakthrough Genomics
Classification: Benign. Review status: criteria provided, single submitter. Criteria: ACMG Guidelines, 2015. Collection method: not provided. Allele origin: germline. Inheritance: Autosomal recessive inheritance. Affected: yes.

PreventionGenetics, part of Exact Sciences
Classification: Benign. Review status: criteria provided, single submitter. Criteria: ACMG Guidelines, 2015. Collection method: clinical testing. Allele origin: germline.

Natera, Inc.
Classification: Benign for Bardet-Biedl syndrome type 12. Last evaluated: 2020-09-16. Review status: no assertion criteria provided. Collection method: clinical testing. Allele origin: germline. Not counted in ClinVar's aggregate classification.

Diagnostic Laboratory, Department of Genetics, University Medical Center Groningen
Classification: Benign for Bardet-Biedl syndrome 1. Review status: no assertion criteria provided. Collection method: clinical testing. Allele origin: germline. Affected: yes. Study: VKGL Data-share Consensus. Not counted in ClinVar's aggregate classification.

Joint Genome Diagnostic Labs from Nijmegen and Maastricht, Radboudumc and MUMC+
Classification: Benign. Review status: no assertion criteria provided. Collection method: clinical testing. Allele origin: germline. Affected: yes. Study: VKGL Data-share Consensus. Not counted in ClinVar's aggregate classification.

NM_152618.3(BBS12):c.1410C>T (p.Cys470=)

Gene: BBS12 (Bardet-Biedl syndrome 12; plus strand). Cytogenetic location: 4q27.
Variant type: single nucleotide variant.
Coding change: c.1410C>T on transcript NM_152618.3 (MANE Select); coding-DNA position 1410, C replaced by T.
Protein change: p.Cys470=; no amino-acid change (cysteine 470 retained).
Molecular consequence: synonymous variant.
Genome position (GRCh38, 1-based): chr4:122,743,302, C>T. VCF-style: chr4-122743302-C-T. GRCh37 (hg19) VCF-style: chr4-123664457-C-T.
Other names: p.Cys470=; c.1410C>T, p.Cys470= (NM_001178007.2).
Identifiers: ClinVar variation 166728 (VCV000166728.31), dbSNP rs13135445, ClinGen allele CA179781.